The following is an entry in ClinVar:

NM_000368.5(TSC1):c.3420G>A (p.Pro1140=)

Gene: TSC1 (TSC complex subunit 1; minus strand). Cytogenetic location: 9q34.13.
Variant type: single nucleotide variant.
Coding change: c.3420G>A on transcript NM_000368.5 (MANE Select); coding-DNA position 3420, G replaced by A.
Protein change: p.Pro1140=; no amino-acid change (proline 1140 retained).
Molecular consequence: synonymous variant.
Genome position (GRCh38, 1-based): chr9:132,896,310, C>T on the plus strand (G>A on the coding strand, the complement: TSC1 is on the minus strand). VCF-style: chr9-132896310-C-T. GRCh37 (hg19) VCF-style: chr9-135771697-C-T.
Other names: c.3417G>A, p.Pro1139= (NM_001162426.2); c.3267G>A, p.Pro1089= (NM_001162427.2); c.3057G>A, p.Pro1019= (NM_001362177.2).
Identifiers: ClinVar variation 384615 (VCV000384615.42), dbSNP rs763931959, ClinGen allele CA036916.

ClinVar aggregate classification (germline): Benign/Likely benign. Review status: criteria provided, multiple submitters, no conflicts (2 of 4 stars). 8 submissions from 8 submitters: Benign (3); Likely benign (5). Last evaluated 2025-12-24.

Conditions:
Tuberous sclerosis 1 (TSC1). Identifiers: Orphanet 805, MedGen C1854465, MONDO:0008612, OMIM 191100.
Hereditary cancer-predisposing syndrome. Also called: Neoplastic Syndromes, Hereditary; Hereditary neoplastic syndrome; Tumor predisposition; Hereditary Cancer Syndrome. Identifiers: Orphanet 140162, MedGen C0027672, MeSH D009386, MONDO:0015356.
Tuberous sclerosis syndrome (TSC). Also called: Tuberous Sclerosis Complex; Tuberous sclerosis. Identifiers: Orphanet 805, MedGen C0041341, MONDO:0001734.

Allele frequency attached by ClinVar (database versions not stated): ExAC 0.00001; gnomAD 0.00001; gnomAD exomes 0.00001; TOPMed 0.00003.
gnomAD v4.1: 13 of 1,614,022 alleles (0.00081%); highest among the groups gnomAD compares: East Asian, 0.0045%; no homozygotes.

Submissions (8):

Labcorp Genetics (formerly Invitae), Labcorp
Classification: Benign for Tuberous sclerosis 1. Last evaluated: 2025-12-24. Review status: criteria provided, single submitter. Criteria: Invitae Variant Classification Sherloc (09022015). Collection method: clinical testing. Allele origin: germline.

Myriad Genetics, Inc.
Classification: Benign for Tuberous sclerosis 1. Last evaluated: 2025-04-30. Review status: criteria provided, single submitter. Criteria: Myriad Autosomal Dominant, Autosomal Recessive and X-Linked Classification Criteria (2023). Collection method: clinical testing. Allele origin: unknown.
Comment: This variant is considered benign. This variant is a silent/synonymous amino acid change and it is not expected to impact splicing.

All of Us Research Program, National Institutes of Health
Classification: Likely benign for Tuberous sclerosis syndrome. Last evaluated: 2023-12-01. Review status: criteria provided, single submitter. Criteria: ACMG Guidelines, 2015. Collection method: clinical testing. Allele origin: germline. Inheritance: Autosomal dominant inheritance. Observed: 2 variant alleles, 2 heterozygotes.
Comment: This study involves interpretation of variants in research participants for the purpose of population health screening. Participant phenotype was not available at the time of variant classification. Additional details can be found in publication PMID: 35346344, PMCID: PMC8962531

CeGaT Center for Human Genetics Tuebingen
Classification: Likely benign. Last evaluated: 2023-12-01. Review status: criteria provided, single submitter. Criteria: CeGaT Center For Human Genetics Tuebingen Variant Classification Criteria Version 2. Collection method: clinical testing. Allele origin: germline. Affected: yes. Observed: 1 variant allele.
Comment: TSC1: BP4, BP7

Genome-Nilou Lab
Classification: Benign for Tuberous sclerosis 1. Last evaluated: 2021-11-07. Review status: criteria provided, single submitter. Criteria: ACMG Guidelines, 2015. Collection method: clinical testing. Allele origin: germline. Affected: no.

Blueprint Genetics
Classification: Likely benign. Last evaluated: 2021-09-07. Review status: criteria provided, single submitter. Criteria: ACMG Guidelines, 2015. Collection method: clinical testing. Allele origin: germline.

GeneDx
Classification: Likely benign. Last evaluated: 2020-09-02. Review status: criteria provided, single submitter. Criteria: GeneDx Variant Classification Process June 2021. Collection method: clinical testing. Allele origin: germline. Affected: yes.

Ambry Genetics
Classification: Likely benign for Hereditary cancer-predisposing syndrome. Last evaluated: 2016-01-05. Review status: criteria provided, single submitter. Criteria: Ambry Variant Classification Scheme 2023. Collection method: clinical testing. Allele origin: germline.